The following is an entry in ClinVar:

NM_001277115.2(DNAH11):c.8274G>C (p.Leu2758Phe)

Gene: DNAH11 (dynein axonemal heavy chain 11; plus strand). Cytogenetic location: 7p15.3.
Variant type: single nucleotide variant.
Coding change: c.8274G>C on transcript NM_001277115.2 (MANE Select); coding-DNA position 8274, G replaced by C.
Protein change: p.Leu2758Phe; replaces leucine 2758 with phenylalanine.
Molecular consequence: missense variant.
Genome position (GRCh38, 1-based): chr7:21,744,557, G>C. VCF-style: chr7-21744557-G-C. GRCh37 (hg19) VCF-style: chr7-21784175-G-C.
Other names: c.8295G>C, p.Leu2765Phe (NM_003777.3); short protein forms L2758F, L2765F.
Identifiers: ClinVar variation 2038096 (VCV002038096.1), dbSNP rs2535117187, ClinGen allele CA366953789.

ClinVar aggregate classification (germline): Uncertain significance (1 of 4 stars; one submission).

Conditions:
Primary ciliary dyskinesia. Also called: Ciliary dyskinesia. Identifiers: Orphanet 244, MedGen C0008780, MONDO:0016575, HP:0012265.

Submission:

Labcorp Genetics (formerly Invitae), Labcorp
Classification: Uncertain significance for Primary ciliary dyskinesia. Last evaluated: 2022-04-06. Review status: criteria provided, single submitter. Criteria: Invitae Variant Classification Sherloc (09022015). Collection method: clinical testing. Allele origin: germline.
Comment: This sequence change replaces leucine, which is neutral and non-polar, with phenylalanine, which is neutral and non-polar, at codon 2758 of the DNAH11 protein (p.Leu2758Phe). This variant is not present in population databases (gnomAD no frequency). This variant has not been reported in the literature in individuals affected with DNAH11-related conditions. Advanced modeling of protein sequence and biophysical properties (such as structural, functional, and spatial information, amino acid conservation, physicochemical variation, residue mobility, and thermodynamic stability) performed at Invitae indicates that this missense variant is not expected to disrupt DNAH11 protein function. In summary, the available evidence is currently insufficient to determine the role of this variant in disease. Therefore, it has been classified as a Variant of Uncertain Significance.